The following is an entry in ClinVar:

NM_020778.5(ALPK3):c.484T>C (p.Ser162Pro)

Gene: ALPK3 (alpha kinase 3; plus strand). Cytogenetic location: 15q25.3.
Variant type: single nucleotide variant.
Coding change: c.484T>C on transcript NM_020778.5 (MANE Select); coding-DNA position 484, T replaced by C.
Protein change: p.Ser162Pro; replaces serine 162 with proline.
Molecular consequence: missense variant.
Genome position (GRCh38, 1-based): chr15:84,839,763, T>C. VCF-style: chr15-84839763-T-C. GRCh37 (hg19) VCF-style: chr15-85382994-T-C.
Other names: short protein forms S162P.
Identifiers: ClinVar variation 3654255 (VCV003654255.2).

ClinVar aggregate classification (germline): Uncertain significance (1 of 4 stars; one submission).

Submission:

Labcorp Genetics (formerly Invitae), Labcorp
Classification: Uncertain significance. Last evaluated: 2024-05-22. Review status: criteria provided, single submitter. Criteria: Invitae Variant Classification Sherloc (09022015). Collection method: clinical testing. Allele origin: germline.
Comment: This sequence change replaces serine, which is neutral and polar, with proline, which is neutral and non-polar, at codon 364 of the ALPK3 protein (p.Ser364Pro). This variant is not present in population databases (gnomAD no frequency). This variant has not been reported in the literature in individuals affected with ALPK3-related conditions. An algorithm developed to predict the effect of missense changes on protein structure and function (PolyPhen-2) suggests that this variant is likely to be disruptive. In summary, the available evidence is currently insufficient to determine the role of this variant in disease. Therefore, it has been classified as a Variant of Uncertain Significance.